The following is an entry in ClinVar:

NM_019066.5(MAGEL2):c.812C>G (p.Pro271Arg)

Gene: MAGEL2 (MAGE family member L2; minus strand). Cytogenetic location: 15q11.2.
Variant type: single nucleotide variant.
Coding change: c.812C>G on transcript NM_019066.5 (MANE Select); coding-DNA position 812, C replaced by G.
Protein change: p.Pro271Arg; replaces proline 271 with arginine.
Molecular consequence: missense variant.
Genome position (GRCh38, 1-based): chr15:23,646,931, G>C on the plus strand (C>G on the coding strand, the complement: MAGEL2 is on the minus strand). VCF-style: chr15-23646931-G-C. GRCh37 (hg19) VCF-style: chr15-23892078-G-C.
Other names: short protein forms P271R.
Identifiers: ClinVar variation 2632971 (VCV002632971.5), dbSNP rs749726173, ClinGen allele CA7430075.

ClinVar aggregate classification (germline): Conflicting classifications of pathogenicity. Review status: criteria provided, conflicting classifications (1 of 4 stars). 3 submissions from 3 submitters: Uncertain significance (2); Likely benign (1). Last evaluated 2026-04-02.

Conditions:
Inborn genetic diseases. Identifiers: MedGen C0950123, MeSH D030342.
MAGEL2-related disorder. Also called: MAGEL2-related condition.

Allele frequency attached by ClinVar (database versions not stated): TOPMed 0.00002; gnomAD 0.00003; gnomAD exomes 0.00005; ExAC 0.00013.
gnomAD v4.1: 74 of 1,536,992 alleles (0.0048%); highest among the groups gnomAD compares: Non-Finnish European, 0.0053%; no homozygotes.

Submissions (3):

PreventionGenetics, part of Exact Sciences
Classification: Uncertain significance for MAGEL2-related condition. Last evaluated: 2026-04-02. Review status: criteria provided, single submitter. Criteria: ACMG Guidelines, 2015. Collection method: clinical testing. Allele origin: germline.
Comment: The MAGEL2 c.812C>G variant is predicted to result in the amino acid substitution p.Pro271Arg. To our knowledge, this variant has not been reported in the literature. This variant is reported in 0.027% of alleles in individuals of African descent in gnomAD. Although we suspect that this variant may be benign, at this time, the clinical significance of this variant is uncertain due to the absence of conclusive functional and genetic evidence.

Labcorp Genetics (formerly Invitae), Labcorp
Classification: Uncertain significance. Last evaluated: 2025-07-22. Review status: criteria provided, single submitter. Criteria: Invitae Variant Classification Sherloc (09022015). Collection method: clinical testing. Allele origin: germline.
Comment: This sequence change replaces proline, which is neutral and non-polar, with arginine, which is basic and polar, at codon 271 of the MAGEL2 protein (p.Pro271Arg). This variant is present in population databases (rs749726173, gnomAD 0.03%). This variant has not been reported in the literature in individuals affected with MAGEL2-related conditions. ClinVar contains an entry for this variant (Variation ID: 2632971). Experimental studies and prediction algorithms are not available or were not evaluated, and the functional significance of this variant is currently unknown. In summary, the available evidence is currently insufficient to determine the role of this variant in disease. Therefore, it has been classified as a Variant of Uncertain Significance.

Ambry Genetics
Classification: Likely benign for Inborn genetic diseases. Last evaluated: 2023-10-14. Review status: criteria provided, single submitter. Criteria: Ambry Variant Classification Scheme 2023. Collection method: clinical testing. Allele origin: germline.